The following is an entry in ClinVar:

NM_021224.6(ZNF462):c.819T>C (p.Leu273=)

Gene: ZNF462 (zinc finger protein 462; plus strand). Cytogenetic location: 9q31.2.
Variant type: single nucleotide variant.
Coding change: c.819T>C on transcript NM_021224.6 (MANE Select); coding-DNA position 819, T replaced by C.
Protein change: p.Leu273=; no amino-acid change (leucine 273 retained).
Molecular consequence: synonymous variant.
Genome position (GRCh38, 1-based): chr9:106,924,731, T>C. VCF-style: chr9-106924731-T-C. GRCh37 (hg19) VCF-style: chr9-109687012-T-C.
Other names: c.819T>C, p.Leu273= (NM_001347997.2).
Identifiers: ClinVar variation 3778124 (VCV003778124.7).

ClinVar aggregate classification (germline): Likely benign (1 of 4 stars; one submission).

gnomAD v4.1: 101 of 1,614,052 alleles (0.0063%); highest among the groups gnomAD compares: Admixed American, 0.08%; no homozygotes.

Submission:

CeGaT Center for Human Genetics Tuebingen
Classification: Likely benign. Last evaluated: 2025-03-01. Review status: criteria provided, single submitter. Criteria: CeGaT Center For Human Genetics Tuebingen Variant Classification Criteria Version 2. Collection method: clinical testing. Allele origin: germline. Affected: yes. Observed: 1 variant allele.
Comment: ZNF462: BP4, BP7